The following is an entry in ClinVar:

NM_138295.5(PKD1L1):c.1580C>T (p.Thr527Ile)

Gene: PKD1L1 (polycystin 1 like 1, transient receptor potential channel interacting; minus strand). Cytogenetic location: 7p12.3.
Variant type: single nucleotide variant.
Coding change: c.1580C>T on transcript NM_138295.5 (MANE Select); coding-DNA position 1580, C replaced by T.
Protein change: p.Thr527Ile; replaces threonine 527 with isoleucine.
Molecular consequence: missense variant.
Genome position (GRCh38, 1-based): chr7:47,905,268, G>A on the plus strand (C>T on the coding strand, the complement: PKD1L1 is on the minus strand). VCF-style: chr7-47905268-G-A. GRCh37 (hg19) VCF-style: chr7-47944865-G-A.
Other names: short protein forms T527I.
Identifiers: ClinVar variation 1311847 (VCV001311847.2), dbSNP rs1787179179, ClinGen allele CA367493468.

ClinVar aggregate classification (germline): Uncertain significance (1 of 4 stars; one submission).

Allele frequency attached by ClinVar (database versions not stated): TOPMed below 0.00001.

Submission:

GeneDx
Classification: Uncertain significance. Last evaluated: 2020-01-23. Review status: criteria provided, single submitter. Criteria: GeneDx Variant Classification Process June 2021. Collection method: clinical testing. Allele origin: germline. Affected: yes.
Comment: Not observed in large population cohorts (Lek et al., 2016); In silico analysis, which includes protein predictors and evolutionary conservation, supports that this variant does not alter protein structure/function; Has not been previously published as pathogenic or benign to our knowledge